The following is an entry in ClinVar:

ClinVar aggregate classification (germline): Uncertain significance (1 of 4 stars; one submission).

Conditions:
Hereditary cancer-predisposing syndrome. Also called: Tumor predisposition; Hereditary Cancer Syndrome; Neoplastic Syndromes, Hereditary; Hereditary neoplastic syndrome. Identifiers: Orphanet 140162, MedGen C0027672, MeSH D009386, MONDO:0015356.

Submission:

Ambry Genetics
Classification: Uncertain significance for Hereditary cancer-predisposing syndrome. Last evaluated: 2025-10-02. Review status: criteria provided, single submitter. Criteria: Ambry Variant Classification Scheme 2023. Collection method: clinical testing. Allele origin: germline.
Comment: The p.D92N variant (also known as c.274G>A), located in coding exon 1 of the GREM1 gene, results from a G to A substitution at nucleotide position 274. The aspartic acid at codon 92 is replaced by asparagine, an amino acid with highly similar properties. This amino acid position is conserved. In addition, this alteration is predicted to be tolerated by in silico analysis. Since supporting evidence is limited at this time, the clinical significance of this alteration remains unclear.

NM_013372.7(GREM1):c.274G>A (p.Asp92Asn)

Gene: GREM1 (gremlin 1, DAN family BMP antagonist; plus strand). Cytogenetic location: 15q13.3.
Variant type: single nucleotide variant.
Coding change: c.274G>A on transcript NM_013372.7 (MANE Select); coding-DNA position 274, G replaced by A.
Protein change: p.Asp92Asn; replaces aspartic acid 92 with asparagine.
Molecular consequence: missense variant.
Genome position (GRCh38, 1-based): chr15:32,730,964, G>A. VCF-style: chr15-32730964-G-A. GRCh37 (hg19) VCF-style: chr15-33023165-G-A.
Other names: c.64G>A, p.Asp22Asn (NM_001191322.2); c.151G>A, p.Asp51Asn (NM_001191323.2); c.274G>A, p.Asp92Asn (NM_001368719.1); short protein forms D51N, D22N, D92N.
Identifiers: ClinVar variation 1795541 (VCV001795541.3), dbSNP rs2548707741, ClinGen allele CA391557569.